The following is an entry in ClinVar:

ClinVar aggregate classification (germline): Conflicting classifications of pathogenicity. Review status: criteria provided, conflicting classifications (1 of 4 stars). 5 submissions from 5 submitters: Uncertain significance (4); Likely benign (1). Last evaluated 2025-12-03.

Conditions:
Familial temporal lobe epilepsy 7. Identifiers: Orphanet 101046, MedGen C4225327, MONDO:0014639, OMIM 616436.
Norman-Roberts syndrome (LIS2). Also called: Lissencephaly 2 (Norman-Roberts type). Identifiers: Orphanet 89844, MedGen C0796089, MONDO:0009760, OMIM 257320.
Inborn genetic diseases. Identifiers: MedGen C0950123, MeSH D030342.

Allele frequency attached by ClinVar (database versions not stated): gnomAD 0.00014 and 0.00015; gnomAD exomes 0.00016; TOPMed 0.00023; ExAC 0.00024; ESP Exome Variant Server 0.00046.
gnomAD v4.1: 500 of 1,613,592 alleles (0.031%); highest among the groups gnomAD compares: Non-Finnish European, 0.04%; no homozygotes.

Submissions (5):

Labcorp Genetics (formerly Invitae), Labcorp
Classification: Likely benign for Familial temporal lobe epilepsy 7; Norman-Roberts syndrome. Last evaluated: 2025-12-03. Review status: criteria provided, single submitter. Criteria: Invitae Variant Classification Sherloc (09022015). Collection method: clinical testing. Allele origin: germline.

CeGaT Center for Human Genetics Tuebingen
Classification: Uncertain significance. Last evaluated: 2024-03-01. Review status: criteria provided, single submitter. Criteria: CeGaT Center For Human Genetics Tuebingen Variant Classification Criteria Version 2. Collection method: clinical testing. Allele origin: germline. Affected: yes. Observed: 1 variant allele.
Comment: RELN: PM2, BP4

Ambry Genetics
Classification: Uncertain significance for Inborn genetic diseases. Last evaluated: 2021-07-22. Review status: criteria provided, single submitter. Criteria: Ambry Variant Classification Scheme 2023. Collection method: clinical testing. Allele origin: germline.

Eurofins Ntd Llc (ga)
Classification: Uncertain significance. Last evaluated: 2015-08-04. Review status: criteria provided, single submitter. Criteria: EGL Classification Definitions 2015. Collection method: clinical testing. Allele origin: germline. Observed: 3 variant alleles, 3 heterozygotes.

Breakthrough Genomics
Classification: Uncertain significance. Review status: criteria provided, single submitter. Criteria: ACMG Guidelines, 2015. Collection method: not provided. Allele origin: germline. Inheritance: Autosomal recessive inheritance. Affected: yes.

NM_005045.4(RELN):c.1013T>G (p.Val338Gly)

Gene: RELN (reelin; minus strand). Cytogenetic location: 7q22.1.
Variant type: single nucleotide variant.
Coding change: c.1013T>G on transcript NM_005045.4 (MANE Select); coding-DNA position 1013, T replaced by G.
Protein change: p.Val338Gly; replaces valine 338 with glycine.
Molecular consequence: missense variant.
Genome position (GRCh38, 1-based): chr7:103,697,983, A>C on the plus strand (T>G on the coding strand, the complement: RELN is on the minus strand). VCF-style: chr7-103697983-A-C. GRCh37 (hg19) VCF-style: chr7-103338430-A-C.
Other names: c.1013T>G, p.Val338Gly (NM_173054.3); short protein forms V338G.
Identifiers: ClinVar variation 282151 (VCV000282151.35), dbSNP rs200513558, ClinGen allele CA4422379.